The following is an entry in ClinVar:

NM_000432.4(MYL2):c.161C>T (p.Ala54Val)

Gene: MYL2 (myosin light chain 2; minus strand). Cytogenetic location: 12q24.11.
Variant type: single nucleotide variant.
Coding change: c.161C>T on transcript NM_000432.4 (MANE Select); coding-DNA position 161, C replaced by T.
Protein change: p.Ala54Val; replaces alanine 54 with valine.
Molecular consequence: missense variant.
Genome position (GRCh38, 1-based): chr12:110,915,723, G>A on the plus strand (C>T on the coding strand, the complement: MYL2 is on the minus strand). VCF-style: chr12-110915723-G-A. GRCh37 (hg19) VCF-style: chr12-111353527-G-A.
Other names: short protein forms A54V.
Identifiers: ClinVar variation 1332304 (VCV001332304.11), dbSNP rs2136773989, ClinGen allele CA386699182.

ClinVar aggregate classification (germline): Uncertain significance. Review status: criteria provided, multiple submitters, no conflicts (2 of 4 stars). 3 submissions from 3 submitters: Uncertain significance (3). Last evaluated 2024-03-06.

Conditions:
Hypertrophic cardiomyopathy 10. Also called: MYL2-Related Familial Hypertrophic Cardiomyopathy; CARDIOMYOPATHY, HYPERTROPHIC, MID-LEFT VENTRICULAR CHAMBER TYPE, 2. Identifiers: MedGen C1834460, MONDO:0012112, OMIM 608758.
Hypertrophic cardiomyopathy. Also called: HYPERTROPHIC MYOCARDIOPATHY. Identifiers: Orphanet 217569, MedGen C0007194, MeSH D002312, MONDO:0005045, HP:0001639.
Cardiomyopathy (CMYO). Also called: Cardiomyopathies. Identifiers: Orphanet 167848, MedGen C0878544, MONDO:0004994, HP:0001638. Inheritance: Various modes of inheritance.

Submissions (3):

Color Diagnostics, LLC DBA Color Health
Classification: Uncertain significance for Cardiomyopathy. Last evaluated: 2024-03-06. Review status: criteria provided, single submitter. Criteria: ACMG Guidelines, 2015. Collection method: clinical testing. Allele origin: germline.
Comment: This missense variant replaces alanine with valine at codon 54 of the MYL2 protein. Computational prediction suggests that this variant may not impact protein structure and function (internally defined REVEL score threshold <= 0.5, PMID: 27666373). To our knowledge, functional studies have not been reported for this variant. This variant has not been reported in individuals affected with MYL2-related disorders in the literature. This variant has not been identified in the general population by the Genome Aggregation Database (gnomAD). The available evidence is insufficient to determine the role of this variant in disease conclusively. Therefore, this variant is classified as a Variant of Uncertain Significance.

All of Us Research Program, National Institutes of Health
Classification: Uncertain significance for Hypertrophic cardiomyopathy. Last evaluated: 2023-06-08. Review status: criteria provided, single submitter. Criteria: ACMG Guidelines, 2015. Collection method: clinical testing. Allele origin: germline. Inheritance: Autosomal dominant inheritance. Observed: 1 variant allele, 1 heterozygote.
Comment: This missense variant replaces alanine with valine at codon 54 of the MYL2 protein. Computational prediction suggests that this variant may not impact protein structure and function (internally defined REVEL score threshold <= 0.5, PMID: 27666373). To our knowledge, functional studies have not been reported for this variant. This variant has not been reported in individuals affected with cardiovascular disorders in the literature. This variant has not been identified in the general population by the Genome Aggregation Database (gnomAD). The available evidence is insufficient to determine the role of this variant in disease conclusively. Therefore, this variant is classified as a Variant of Uncertain Significance.

This study involves interpretation of variants in research participants for the purpose of population health screening. Participant phenotype was not available at the time of variant classification. Additional details can be found in publication PMID: 35346344, PMCID: PMC8962531

Labcorp Genetics (formerly Invitae), Labcorp
Classification: Uncertain significance for Hypertrophic cardiomyopathy 10. Last evaluated: 2021-09-19. Review status: criteria provided, single submitter. Criteria: Invitae Variant Classification Sherloc (09022015). Collection method: clinical testing. Allele origin: germline.
Comment: This variant is not present in population databases (ExAC no frequency). In summary, the available evidence is currently insufficient to determine the role of this variant in disease. Therefore, it has been classified as a Variant of Uncertain Significance. This variant has not been reported in the literature in individuals affected with MYL2-related conditions. Algorithms developed to predict the effect of missense changes on protein structure and function are either unavailable or do not agree on the potential impact of this missense change (SIFT: "Tolerated"; PolyPhen-2: "Possibly Damaging"; Align-GVGD: "Class C0"). This sequence change replaces alanine with valine at codon 54 of the MYL2 protein (p.Ala54Val). The alanine residue is highly conserved and there is a small physicochemical difference between alanine and valine.